The following is an entry in ClinVar:

ClinVar aggregate classification (germline): Likely benign. Review status: criteria provided, single submitter (1 of 4 stars). 2 submissions from 2 submitters: Likely benign (1). 1 of the submissions does not count toward it. Last evaluated 2025-01-27.

Conditions:
DSCAML1-related disorder. Also called: DSCAML1-related condition.

Allele frequency attached by ClinVar (database versions not stated): gnomAD 0.00001 and 0.00002; gnomAD exomes 0.00001 and 0.00002; TOPMed 0.00004.

Submissions (2):

Labcorp Genetics (formerly Invitae), Labcorp
Classification: Likely benign. Last evaluated: 2025-01-27. Review status: criteria provided, single submitter. Criteria: Invitae Variant Classification Sherloc (09022015). Collection method: clinical testing. Allele origin: germline.

PreventionGenetics, part of Exact Sciences
Classification: Likely benign for DSCAML1-related condition. Last evaluated: 2019-02-19. Review status: no assertion criteria provided. Collection method: clinical testing. Allele origin: germline. Not counted in ClinVar's aggregate classification.
Comment: This variant is classified as likely benign based on ACMG/AMP sequence variant interpretation guidelines (Richards et al. 2015 PMID: 25741868, with internal and published modifications).

NM_020693.4(DSCAML1):c.937+7dup

Gene: DSCAML1 (DS cell adhesion molecule like 1; minus strand). Cytogenetic location: 11q23.3.
Variant type: Duplication.
Coding change: c.937+7dup on transcript NM_020693.4 (MANE Select); 7 bases into the intron after coding-DNA position 937, one base duplicated (C; older notation c.937+7dupC).
Molecular consequence: intron variant.
Genome position (GRCh38, 1-based): chr11:117,524,798, G duplicated on the plus strand (C on the coding strand, the reverse complement: DSCAML1 is on the minus strand). VCF-style (leftmost placement, unchanged base first): chr11-117524797-C-CG. GRCh37 (hg19) VCF-style: chr11-117395512-C-CG.
Other names: c.937+7dup (NM_001367904.1); c.529+7dup (NM_001367905.1); c.1117+7dupC (NM_020693.3).
Identifiers: ClinVar variation 1608475 (VCV001608475.10), dbSNP rs763403717, ClinGen allele CA6297421.